The following is an entry in ClinVar:

ClinVar aggregate classification (germline): Likely benign. Review status: criteria provided, multiple submitters, no conflicts (2 of 4 stars). 2 submissions from 2 submitters: Likely benign (2). Last evaluated 2018-01-12.

Conditions:
Pontocerebellar hypoplasia type 2D (PCH2D). Also called: Progressive cerebello-cerebral atrophy. Identifiers: Orphanet 247198, Orphanet 2524, MedGen C3151140, MONDO:0013438, OMIM 613811.

Allele frequency attached by ClinVar (database versions not stated): 1000 Genomes Project 30x 0.00281; gnomAD 0.00296 and 0.00300; 1000 Genomes Project 0.00319; TOPMed 0.00323.

Submissions (2):

Illumina Laboratory Services, Illumina
Classification: Likely benign for Pontocerebellar hypoplasia type 2D. Last evaluated: 2018-01-12. Review status: criteria provided, single submitter. Criteria: ICSL Variant Classification Criteria 13 December 2019. Collection method: clinical testing. Allele origin: germline.
Comment: This variant was observed in the ICSL laboratory as part of a predisposition screen in an ostensibly healthy population. It had not been previously curated by ICSL or reported in the Human Gene Mutation Database (HGMD: prior to June 1st, 2018), and was therefore a candidate for classification through an automated scoring system. Utilizing variant allele frequency, disease prevalence and penetrance estimates, and inheritance mode, an automated score was calculated to assess if this variant is too frequent to cause the disease. Based on the score and internal cut-off values, a variant classified as likely benign is not then subjected to further curation. The score for this variant resulted in a classification of likely benign for this disease.

Breakthrough Genomics
Classification: Likely benign. Review status: criteria provided, single submitter. Criteria: ACMG Guidelines, 2015. Collection method: not provided. Allele origin: germline. Inheritance: Autosomal recessive inheritance. Affected: yes.

NM_016955.4(SEPSECS):c.*3402A>G

Gene: SEPSECS (Sep (O-phosphoserine) tRNA:Sec (selenocysteine) tRNA synthase; minus strand). Cytogenetic location: 4p15.2.
Variant type: single nucleotide variant.
Coding change: c.*3402A>G on transcript NM_016955.4 (MANE Select); 3402 bases downstream of the stop codon, A replaced by G.
Molecular consequence: 3 prime UTR variant.
Genome position (GRCh38, 1-based): chr4:25,120,529, T>C on the plus strand (A>G on the coding strand, the complement: SEPSECS is on the minus strand). VCF-style: chr4-25120529-T-C. GRCh37 (hg19) VCF-style: chr4-25122151-T-C.
Identifiers: ClinVar variation 348515 (VCV000348515.6), dbSNP rs149506792, ClinGen allele CA10618559.